The following is an entry in ClinVar:

ClinVar aggregate classification (germline): Uncertain significance (1 of 4 stars; one submission).

Allele frequency attached by ClinVar (database versions not stated): gnomAD exomes 0.00001; ExAC 0.00001.
gnomAD v4.1: 12 of 1,614,198 alleles (0.00074%); highest among the groups gnomAD compares: Non-Finnish European, 0.00017%; no homozygotes.

Submission:

Labcorp Genetics (formerly Invitae), Labcorp
Classification: Uncertain significance. Last evaluated: 2025-06-29. Review status: criteria provided, single submitter. Criteria: Invitae Variant Classification Sherloc (09022015). Collection method: clinical testing. Allele origin: germline.
Comment: This sequence change replaces tyrosine, which is neutral and polar, with cysteine, which is neutral and slightly polar, at codon 416 of the SLC16A1 protein (p.Tyr416Cys). This variant is present in population databases (rs776362431, gnomAD 0.02%). This variant has not been reported in the literature in individuals affected with SLC16A1-related conditions. ClinVar contains an entry for this variant (Variation ID: 2897444). An algorithm developed to predict the effect of missense changes on protein structure and function (PolyPhen-2) suggests that this variant is likely to be disruptive. In summary, the available evidence is currently insufficient to determine the role of this variant in disease. Therefore, it has been classified as a Variant of Uncertain Significance.

NM_003051.4(SLC16A1):c.1247A>G (p.Tyr416Cys)

Gene: SLC16A1 (solute carrier family 16 member 1; minus strand). Cytogenetic location: 1p13.2.
Variant type: single nucleotide variant.
Coding change: c.1247A>G on transcript NM_003051.4 (MANE Select); coding-DNA position 1247, A replaced by G.
Protein change: p.Tyr416Cys; replaces tyrosine 416 with cysteine.
Molecular consequence: missense variant.
Genome position (GRCh38, 1-based): chr1:112,914,147, T>C on the plus strand (A>G on the coding strand, the complement: SLC16A1 is on the minus strand). VCF-style: chr1-112914147-T-C. GRCh37 (hg19) VCF-style: chr1-113456769-T-C.
Other names: c.1247A>G, p.Tyr416Cys (NM_001166496.2); short protein forms Y416C.
Identifiers: ClinVar variation 2897444 (VCV002897444.3), dbSNP rs776362431, ClinGen allele CA1011278.